The following is an entry in ClinVar:

ClinVar aggregate classification (germline): Uncertain significance (1 of 4 stars; one submission).

Conditions:
Desmin-related myofibrillar myopathy (MFM1). Also called: Desminopathy; Desmin related myopathy (former name); Desmin storage myopathy (former name); Myofibrillar myopathy 1; MYOFIBRILLAR MYOPATHY WITH ARRHYTHMOGENIC RIGHT VENTRICULAR CARDIOMYOPATHY; DESMIN-RELATED MYOPATHY WITH ARRHYTHMOGENIC RIGHT VENTRICULAR CARDIOMYOPATHY. Identifiers: Orphanet 363543, Orphanet 98909, MedGen C1832370, MONDO:0011076, OMIM 601419.

Submission:

Labcorp Genetics (formerly Invitae), Labcorp
Classification: Uncertain significance for Desmin-related myofibrillar myopathy. Last evaluated: 2025-08-05. Review status: criteria provided, single submitter. Criteria: Invitae Variant Classification Sherloc (09022015). Collection method: clinical testing. Allele origin: germline.
Comment: This sequence change replaces alanine, which is neutral and non-polar, with serine, which is neutral and polar, at codon 21 of the DES protein (p.Ala21Ser). This variant is not present in population databases (gnomAD no frequency). This variant has not been reported in the literature in individuals affected with DES-related conditions. Invitae Evidence Modeling of protein sequence and biophysical properties (such as structural, functional, and spatial information, amino acid conservation, physicochemical variation, residue mobility, and thermodynamic stability) indicates that this missense variant is not expected to disrupt DES protein function with a negative predictive value of 80%. In summary, the available evidence is currently insufficient to determine the role of this variant in disease. Therefore, it has been classified as a Variant of Uncertain Significance.

NM_001927.4(DES):c.61G>T (p.Ala21Ser)

Gene: DES (desmin; plus strand). Cytogenetic location: 2q35.
Variant type: single nucleotide variant.
Coding change: c.61G>T on transcript NM_001927.4 (MANE Select); coding-DNA position 61, G replaced by T.
Protein change: p.Ala21Ser; replaces alanine 21 with serine.
Molecular consequence: missense variant.
Genome position (GRCh38, 1-based): chr2:219,418,523, G>T. VCF-style: chr2-219418523-G-T. GRCh37 (hg19) VCF-style: chr2-220283245-G-T.
Other names: c.61G>T, p.Ala21Ser (NM_001382708.1, NM_001382709.1, NM_001382710.1 and 3 more transcripts); short protein forms A21S.
Identifiers: ClinVar variation 4789366 (VCV004789366.1).